The following is an entry in ClinVar:

ClinVar aggregate classification (germline): Pathogenic (1 of 4 stars; one submission).

Conditions:
Charcot-Marie-Tooth disease type 2. Also called: Charcot-Marie-Tooth type 2. Identifiers: Orphanet 64746, MedGen C0270914, MONDO:0018993.

Submission:

Labcorp Genetics (formerly Invitae), Labcorp
Classification: Pathogenic for Charcot-Marie-Tooth disease type 2. Last evaluated: 2023-09-17. Review status: criteria provided, single submitter. Criteria: Invitae Variant Classification Sherloc (09022015). Collection method: clinical testing. Allele origin: germline.
Comment: This sequence change creates a premature translational stop signal (p.Trp260*) in the MFN2 gene. It is expected to result in an absent or disrupted protein product. Loss-of-function variants in MFN2 are known to be pathogenic (PMID: 16714318, 16835246, 21715711, 23781337, 26955893). For these reasons, this variant has been classified as Pathogenic. This variant has not been reported in the literature in individuals affected with MFN2-related conditions. This variant is not present in population databases (gnomAD no frequency).

Literature cited by the submitters: PubMed 16714318; PubMed 16835246; PubMed 21715711; PubMed 23781337; PubMed 26955893.

NM_014874.4(MFN2):c.779G>A (p.Trp260Ter)

Gene: MFN2 (mitofusin 2; plus strand). Cytogenetic location: 1p36.22.
Variant type: single nucleotide variant.
Coding change: c.779G>A on transcript NM_014874.4 (MANE Select); coding-DNA position 779, G replaced by A.
Protein change: p.Trp260Ter; replaces tryptophan 260 with a stop codon.
Molecular consequence: nonsense.
Genome position (GRCh38, 1-based): chr1:11,999,058, G>A. VCF-style: chr1-11999058-G-A. GRCh37 (hg19) VCF-style: chr1-12059115-G-A.
Other names: c.779G>A, p.Trp260Ter (NM_001127660.2); short protein forms W260*.
Identifiers: ClinVar variation 2742386 (VCV002742386.3), dbSNP rs2523037515, ClinGen allele CA338439269.